The following is an entry in ClinVar:

NM_001144967.3(NEDD4L):c.1253T>C (p.Met418Thr)

Gene: NEDD4L (NEDD4 like E3 ubiquitin protein ligase; plus strand). Cytogenetic location: 18q21.31.
Variant type: single nucleotide variant.
Coding change: c.1253T>C on transcript NM_001144967.3 (MANE Select); coding-DNA position 1253, T replaced by C.
Protein change: p.Met418Thr; replaces methionine 418 with threonine.
Molecular consequence: missense variant. On other transcripts: intron variant (1).
Genome position (GRCh38, 1-based): chr18:58,341,165, T>C. VCF-style: chr18-58341165-T-C. GRCh37 (hg19) VCF-style: chr18-56008397-T-C.
Other names: c.890T>C, p.Met297Thr (NM_001144964.1, NM_001144965.2, NM_001144966.3); c.1229T>C, p.Met410Thr (NM_001144968.2); c.1169T>C, p.Met390Thr (NM_001144969.2); c.830T>C, p.Met277Thr (NM_001144970.3, NM_001144971.2); c.1193T>C, p.Met398Thr (NM_015277.6); c.1066-513T>C (NM_001243960.2); short protein forms M277T, M297T, M398T, M418T, M410T, M390T.
Identifiers: ClinVar variation 2893824 (VCV002893824.3), dbSNP rs1236299484, ClinGen allele CA402562046.

ClinVar aggregate classification (germline): Uncertain significance (1 of 4 stars; one submission).

gnomAD v4.1: 1 of 1,612,610 alleles (0.000062%); no homozygotes.

Submission:

Labcorp Genetics (formerly Invitae), Labcorp
Classification: Uncertain significance. Last evaluated: 2023-11-24. Review status: criteria provided, single submitter. Criteria: Invitae Variant Classification Sherloc (09022015). Collection method: clinical testing. Allele origin: germline.
Comment: This sequence change replaces methionine, which is neutral and non-polar, with threonine, which is neutral and polar, at codon 398 of the NEDD4L protein (p.Met398Thr). The frequency data for this variant in the population databases is considered unreliable, as metrics indicate poor data quality at this position in the gnomAD database. This variant has not been reported in the literature in individuals affected with NEDD4L-related conditions. Advanced modeling of protein sequence and biophysical properties (such as structural, functional, and spatial information, amino acid conservation, physicochemical variation, residue mobility, and thermodynamic stability) performed at Invitae indicates that this missense variant is not expected to disrupt NEDD4L protein function with a negative predictive value of 80%. In summary, the available evidence is currently insufficient to determine the role of this variant in disease. Therefore, it has been classified as a Variant of Uncertain Significance.